The following is an entry in ClinVar:

ClinVar aggregate classification (germline): Benign/Likely benign. Review status: criteria provided, multiple submitters, no conflicts (2 of 4 stars). 4 submissions from 4 submitters: Benign (2); Likely benign (2). Last evaluated 2026-01-26.

Conditions:
Aicardi-Goutieres syndrome 7 (AGS7). Identifiers: Orphanet 51, MedGen C3888244, MONDO:0014367, OMIM 615846.
Singleton-Merten syndrome 1 (SGMRT1). Also called: Widened medullary cavities of bone, aortic calcification, abnormal dentition, and muscular weakness; Syndrome of widened medullary cavities of the metacarpals and phalanges, aortic calcification and abnormal dentition. Identifiers: Orphanet 85191, MedGen C4225427, MONDO:0024535, OMIM 182250.

Allele frequency attached by ClinVar (database versions not stated): gnomAD 0.00005 and 0.00006; gnomAD exomes 0.00006 and 0.00035; TOPMed 0.00021; ExAC 0.00031.
gnomAD v4.1: 100 of 1,612,666 alleles (0.0062%); highest among the groups gnomAD compares: Admixed American, 0.12%; no homozygotes.

Submissions (4):

Labcorp Genetics (formerly Invitae), Labcorp
Classification: Benign for Aicardi-Goutieres syndrome 7; Singleton-Merten syndrome 1. Last evaluated: 2026-01-26. Review status: criteria provided, single submitter. Criteria: Invitae Variant Classification Sherloc (09022015). Collection method: clinical testing. Allele origin: germline.

CeGaT Center for Human Genetics Tuebingen
Classification: Likely benign. Last evaluated: 2025-11-01. Review status: criteria provided, single submitter. Criteria: CeGaT Center For Human Genetics Tuebingen Variant Classification Criteria Version 2. Collection method: clinical testing. Allele origin: germline. Affected: yes. Observed: 1 variant allele.
Comment: IFIH1: BP4, BP7

Women's Health and Genetics/Laboratory Corporation of America, LabCorp
Classification: Benign. Last evaluated: 2025-04-20. Review status: criteria provided, single submitter. Criteria: LabCorp Variant Classification Summary - May 2015. Collection method: clinical testing. Allele origin: germline.

Blueprint Genetics
Classification: Likely benign. Last evaluated: 2022-02-23. Review status: criteria provided, single submitter. Criteria: ACMG Guidelines, 2015. Collection method: clinical testing. Allele origin: germline.

NM_022168.4(IFIH1):c.1866G>A (p.Ala622=)

Gene: IFIH1 (interferon induced with helicase C domain 1; minus strand). Cytogenetic location: 2q24.2.
Variant type: single nucleotide variant.
Coding change: c.1866G>A on transcript NM_022168.4 (MANE Select); coding-DNA position 1866, G replaced by A.
Protein change: p.Ala622=; no amino-acid change (alanine 622 retained).
Molecular consequence: synonymous variant.
Genome position (GRCh38, 1-based): chr2:162,277,593, C>T on the plus strand (G>A on the coding strand, the complement: IFIH1 is on the minus strand). VCF-style: chr2-162277593-C-T. GRCh37 (hg19) VCF-style: chr2-163134103-C-T.
Identifiers: ClinVar variation 703791 (VCV000703791.21), dbSNP rs766027130, ClinGen allele CA1934365.